The following is an entry in ClinVar:

ClinVar aggregate classification (germline): Uncertain significance (1 of 4 stars; one submission).

Conditions:
Hypertrophic cardiomyopathy. Also called: HYPERTROPHIC MYOCARDIOPATHY. Identifiers: Orphanet 217569, MedGen C0007194, MeSH D002312, MONDO:0005045, HP:0001639.

gnomAD v4.1: 1 of 1,609,220 alleles (0.000062%); highest among the groups gnomAD compares: Non-Finnish European, 0.000085%; no homozygotes.

Submission:

Labcorp Genetics (formerly Invitae), Labcorp
Classification: Uncertain significance for Hypertrophic cardiomyopathy. Last evaluated: 2025-05-27. Review status: criteria provided, single submitter. Criteria: Invitae Variant Classification Sherloc (09022015). Collection method: clinical testing. Allele origin: germline.
Comment: This sequence change falls in intron 11 of the MYOM1 gene. It does not directly change the encoded amino acid sequence of the MYOM1 protein. It affects a nucleotide within the consensus splice site. This variant is not present in population databases (gnomAD no frequency). This variant has not been reported in the literature in individuals affected with MYOM1-related conditions. Variants that disrupt the consensus splice site are a relatively common cause of aberrant splicing (PMID: 17576681, 9536098). Algorithms developed to predict the effect of sequence changes on RNA splicing suggest that this variant may disrupt the consensus splice site. In summary, the available evidence is currently insufficient to determine the role of this variant in disease. Therefore, it has been classified as a Variant of Uncertain Significance.

Literature cited by the submitters: PubMed 17576681; PubMed 9536098.

NM_003803.4(MYOM1):c.1643+5G>A

Gene: MYOM1 (myomesin 1; minus strand). Cytogenetic location: 18p11.31.
Variant type: single nucleotide variant.
Coding change: c.1643+5G>A on transcript NM_003803.4 (MANE Select); 5 bases into the intron after coding-DNA position 1643, G replaced by A.
Molecular consequence: intron variant.
Genome position (GRCh38, 1-based): chr18:3,154,942, C>T on the plus strand (G>A on the coding strand, the complement: MYOM1 is on the minus strand). VCF-style: chr18-3154942-C-T. GRCh37 (hg19) VCF-style: chr18-3154940-C-T.
Other names: c.1643+5G>A (NM_019856.2).
Identifiers: ClinVar variation 4807824 (VCV004807824.1).
Genomic context (GRCh38, chr18:3,154,942, plus strand): 5'-GGGAGAAATCAAGCACGCATCTCTATGACCAAATAACTGTAATTGATGTTAGCCTAAGCA[C>T]TAACTTATCAATAAAATATCCGAGAATAGGACTCCCTCCATCGACAGCTGGCTGTTTCCA-3'